The following is an entry in ClinVar:

ClinVar aggregate classification (germline): Uncertain significance. Review status: criteria provided, multiple submitters, no conflicts (2 of 4 stars). 2 submissions from 2 submitters: Uncertain significance (2). Last evaluated 2026-09-01.

Conditions:
Myofibrillar myopathy 6. Identifiers: Orphanet 199340, MedGen C2751831, MONDO:0013061, OMIM 612954.
Dilated cardiomyopathy 1HH (CMD1HH). Identifiers: Orphanet 154, MedGen C3151293, MONDO:0013479, OMIM 613881.

Allele frequency attached by ClinVar (database versions not stated): gnomAD exomes below 0.00001; ExAC 0.00001; TOPMed 0.00001.
gnomAD v4.1: 7 of 1,614,192 alleles (0.00043%); highest among the groups gnomAD compares: South Asian, 0.0033%; no homozygotes.

Submissions (2):

CeGaT Center for Human Genetics Tuebingen
Classification: Uncertain significance. Last evaluated: 2026-09-01. Review status: criteria provided, single submitter. Criteria: CeGaT Center For Human Genetics Tuebingen Variant Classification Criteria Version 2. Collection method: clinical testing. Allele origin: germline. Affected: yes. Observed: 1 variant allele.
Comment: BAG3: PM2

Labcorp Genetics (formerly Invitae), Labcorp
Classification: Uncertain significance for Dilated cardiomyopathy 1HH; Myofibrillar myopathy 6. Last evaluated: 2024-09-14. Review status: criteria provided, single submitter. Criteria: Invitae Variant Classification Sherloc (09022015). Collection method: clinical testing. Allele origin: germline.
Comment: This sequence change replaces arginine, which is basic and polar, with glutamine, which is neutral and polar, at codon 90 of the BAG3 protein (p.Arg90Gln). This variant is present in population databases (rs755525021, gnomAD 0.006%). This variant has not been reported in the literature in individuals affected with BAG3-related conditions. Invitae Evidence Modeling of protein sequence and biophysical properties (such as structural, functional, and spatial information, amino acid conservation, physicochemical variation, residue mobility, and thermodynamic stability) has been performed for this missense variant. However, the output from this modeling did not meet the statistical confidence thresholds required to predict the impact of this variant on BAG3 protein function. In summary, the available evidence is currently insufficient to determine the role of this variant in disease. Therefore, it has been classified as a Variant of Uncertain Significance.

NM_004281.4(BAG3):c.269G>A (p.Arg90Gln)

Gene: BAG3 (BAG cochaperone 3; plus strand). Cytogenetic location: 10q26.11.
Variant type: single nucleotide variant.
Coding change: c.269G>A on transcript NM_004281.4 (MANE Select); coding-DNA position 269, G replaced by A.
Protein change: p.Arg90Gln; replaces arginine 90 with glutamine.
Molecular consequence: missense variant.
Genome position (GRCh38, 1-based): chr10:119,669,939, G>A. VCF-style: chr10-119669939-G-A. GRCh37 (hg19) VCF-style: chr10-121429451-G-A.
Other names: short protein forms R90Q.
Identifiers: ClinVar variation 2945378 (VCV002945378.4), dbSNP rs755525021, ClinGen allele CA5716278.
Genomic context (GRCh38, chr10:119,669,939, plus strand): 5'-CCCGGGAGGGCTCTAGGCTGCCGCCTGCTAGGGAAGGCCACCCTGTGTACCCCCAGCTCC[G>A]ACCAGGCTACATTCCCATTCCTGTGCTCCATGAAGGCGCTGAGAACCGGCAGGTGCACCC-3'
Protein context (NP_004272.2, residues 80-100): REGHPVYPQL[Arg90Gln]PGYIPIPVLH